The following is an entry in ClinVar:

NM_004168.4(SDHA):c.1391G>A (p.Gly464Asp)

Gene: SDHA (succinate dehydrogenase complex flavoprotein subunit A; plus strand). Cytogenetic location: 5p15.33.
Variant type: single nucleotide variant.
Coding change: c.1391G>A on transcript NM_004168.4 (MANE Select); coding-DNA position 1391, G replaced by A.
Protein change: p.Gly464Asp; replaces glycine 464 with aspartic acid.
Molecular consequence: missense variant.
Genome position (GRCh38, 1-based): chr5:236,558, G>A. VCF-style: chr5-236558-G-A. GRCh37 (hg19) VCF-style: chr5-236673-G-A.
Other names: c.1247G>A, p.Gly416Asp (NM_001294332.2); c.1391G>A, p.Gly464Asp (NM_001330758.2); short protein forms G464D, G416D.
Identifiers: ClinVar variation 4793755 (VCV004793755.1).

ClinVar aggregate classification (germline): Uncertain significance (1 of 4 stars; one submission).

Conditions:
Mitochondrial complex II deficiency, nuclear type 1. Also called: SUCCINATE CoQ REDUCTASE DEFICIENCY. Identifiers: Orphanet 3208, MedGen C5700310, MONDO:0100294, OMIM 252011.
Pheochromocytoma/paraganglioma syndrome 5. Also called: Paragangliomas 5; SDHA-Related Hereditary Paraganglioma-Pheochromocytoma Syndrome. Identifiers: Orphanet 29072, MedGen C3279992, MONDO:0013602, OMIM 614165.

Submission:

Labcorp Genetics (formerly Invitae), Labcorp
Classification: Uncertain significance for Pheochromocytoma/paraganglioma syndrome 5; Mitochondrial complex II deficiency, nuclear type 1. Last evaluated: 2025-04-17. Review status: criteria provided, single submitter. Criteria: Invitae Variant Classification Sherloc (09022015). Collection method: clinical testing. Allele origin: germline.
Comment: This sequence change replaces glycine, which is neutral and non-polar, with aspartic acid, which is acidic and polar, at codon 464 of the SDHA protein (p.Gly464Asp). This variant is not present in population databases (gnomAD no frequency). This missense change has been observed in individual(s) with clinical features of SDHA-related conditions (PMID: 34598035). Invitae Evidence Modeling of protein sequence and biophysical properties (such as structural, functional, and spatial information, amino acid conservation, physicochemical variation, residue mobility, and thermodynamic stability) has been performed for this missense variant. However, the output from this modeling did not meet the statistical confidence thresholds required to predict the impact of this variant on SDHA protein function. In summary, the available evidence is currently insufficient to determine the role of this variant in disease. Therefore, it has been classified as a Variant of Uncertain Significance.

Literature cited by the submitters: PubMed 34598035.